The following is an entry in ClinVar:

ClinVar aggregate classification (germline): Pathogenic/Likely pathogenic. Review status: criteria provided, multiple submitters, no conflicts (2 of 4 stars). 2 submissions from 2 submitters: Pathogenic (1); Likely pathogenic (1). Last evaluated 2023-02-23.

Conditions:
Neurodevelopmental disorder with or without hyperkinetic movements and seizures, autosomal dominant. Also called: Intellectual disability, autosomal dominant 8. Identifiers: MedGen C3280282, MONDO:0013655, OMIM 614254.
Inborn genetic diseases. Identifiers: MedGen C0950123, MeSH D030342.

Submissions (2):

3billion
Classification: Likely pathogenic for Neurodevelopmental disorder with or without hyperkinetic movements and seizures, autosomal dominant. Last evaluated: 2023-02-23. Review status: criteria provided, single submitter. Criteria: ACMG Guidelines, 2015. Collection method: clinical testing. Allele origin: unknown. Affected: yes.
Comment: The variant is not observed in the gnomAD v2.1.1 dataset. The variant is located in a mutational hot spot and/or well-established functional domain in which established pathogenic variants have been reported. Missense changes are a common disease-causing mechanism. In silico tool predictions suggest damaging effect of the variant on gene or gene product (REVEL: 0.70; 3Cnet: 0.82). Same nucleotide change resulting in same amino acid change has been previously reported to be associated with GRIN1-related disorder (ClinVar ID: VCV000520575 / PMID: 27164704). Therefore, this variant is classified as Likely pathogenic according to the recommendation of ACMG/AMP guideline.

Ambry Genetics
Classification: Pathogenic for Inborn genetic diseases. Last evaluated: 2014-09-24. Review status: criteria provided, single submitter. Criteria: Ambry Variant Classification Scheme 2023. Collection method: clinical testing. Allele origin: germline.
Comment: The c.1645A>C (p.S549R) alteration is located in exon 12 (coding exon 12) of the GRIN1 gene. This alteration results from a A to C substitution at nucleotide position 1645, causing the serine (S) at amino acid position 549 to be replaced by an arginine (R). The alteration is not observed in healthy cohorts:_x000D_ Based on data from the NHLBI Exome Sequencing Project (ESP), the GRIN1 c.1645A>C alteration was not observed among 6,227 individuals tested. Allele frequency data for this nucleotide position are not currently available from the 1000 Genomes Project and the alteration is not currently listed in the Database of Single Nucleotide Polymorphisms (dbSNP). The altered nucleotide is conserved throughout evolution:_x000D_ The c.1645A nucleotide is completely conserved in available vertebrate species._x000D_ The altered amino acid is conserved throughout evolution:_x000D_ The p.S549 amino acid is completely conserved in available vertebrate species. The alteration is predicted deleterious by in silico models:_x000D_ The p.S549R alteration is predicted to be probably damaging by Polyphen and deleterious by SIFT in silico analyses._x000D_ The alteration is predicted not to affect splicing by in silico models:_x000D_ Based on BDGP and ESEfinder splice site in silico tools, this alteration does not have any significant effect on the native acceptor/donor splice site; however, direct evidence is unavailable. Based on the available evidence, this alteration is classified as pathogenic.

Literature cited by the submitters: PubMed 27164704 (cited by 3billion).

NM_007327.4(GRIN1):c.1645A>C (p.Ser549Arg)

Gene: GRIN1 (glutamate ionotropic receptor NMDA type subunit 1; plus strand). Cytogenetic location: 9q34.3.
Variant type: single nucleotide variant.
Coding change: c.1645A>C on transcript NM_007327.4 (MANE Select); coding-DNA position 1645, A replaced by C.
Protein change: p.Ser549Arg; replaces serine 549 with arginine.
Molecular consequence: missense variant.
Genome position (GRCh38, 1-based): chr9:137,162,184, A>C. VCF-style: chr9-137162184-A-C. GRCh37 (hg19) VCF-style: chr9-140056636-A-C.
Other names: c.1645A>C, p.Ser549Arg (NM_000832.7, NM_021569.4); c.1708A>C, p.Ser570Arg (NM_001185090.2, NM_001185091.2); short protein forms S549R, S570R.
Identifiers: ClinVar variation 520575 (VCV000520575.6), dbSNP rs1554770046, ClinGen allele CA375717591.
Genomic context (GRCh38, chr9:137,162,184, plus strand): 5'-GGAGTCCCTGGAGGGCCCGGGCCGCGCTGACCTCGCGTCCCTCCGCAGGAGATTCCCCGG[A>C]GCACGCTGGACTCGTTCATGCAGCCGTTCCAGAGCACACTGTGGCTGCTGGTGGGGCTGT-3'
Protein context (NP_015566.1, residues 539-559): TILVKKEIPR[Ser549Arg]TLDSFMQPFQ